The following is an entry in ClinVar:

NM_000038.6(APC):c.-19+2145A>G

Gene: APC (APC regulator of WNT signaling pathway; plus strand). Cytogenetic location: 5q22.2.
Variant type: single nucleotide variant.
Coding change: c.-19+2145A>G on transcript NM_000038.6 (MANE Select); 2145 bases into the intron after 19 bases upstream of the start codon, A replaced by G.
Molecular consequence: intron variant.
Genome position (GRCh38, 1-based): chr5:112,740,070, A>G. VCF-style: chr5-112740070-A-G. GRCh37 (hg19) VCF-style: chr5-112075767-A-G.
Other names: c.-18-14803A>G (NM_001354895.2); c.166-26256A>G (NM_001354897.2, NM_001354902.2, NM_001127511.3); c.-19+1610A>G (NM_001127510.3); c.60+1610A>G (NM_001354898.2, NM_001354904.2); c.-1054+2145A>G (NM_001354906.2); c.-19+2145A>G (NM_001354896.2, NM_001354903.2, NM_001354899.2); c.-43+2145A>G (NM_001354900.2, NM_001354901.2, NM_001354905.2).
Identifiers: ClinVar variation 82337 (VCV000082337.2), dbSNP rs76965783, ClinGen allele CA006398.

ClinVar aggregate classification (germline): other (0 of 4 stars; one submission).

Conditions:
Familial colorectal cancer. Identifiers: MedGen CN280943, MONDO:0023113. Disease mechanism: loss of function.

Submission:

Systems Biology Platform Zhejiang California International NanoSystems Institute
Classification: other for Familial colorectal cancer. Review status: no assertion criteria provided. Collection method: not provided. Allele origin: unknown.
ClinVar note: Converted during submission from cancer to other.